The following is an entry in ClinVar:

NC_000001.11:g.(?_100240741)_(100240904_?)del

Gene: DBT (dihydrolipoamide branched chain transacylase E2; minus strand). Cytogenetic location: 1p21.2.
Variant type: Deletion.
Identifiers: ClinVar variation 3247644 (VCV003247644.1).

ClinVar aggregate classification (germline): Pathogenic (1 of 4 stars; one submission).

Conditions:
Maple syrup urine disease (MSUD). Identifiers: Orphanet 511, MedGen C0024776, MeSH D008375, MONDO:0009563. Disease mechanism: loss of function.

Submission:

Labcorp Genetics (formerly Invitae), Labcorp
Classification: Pathogenic for Maple syrup urine disease. Last evaluated: 2024-01-03. Review status: criteria provided, single submitter. Criteria: Invitae Variant Classification Sherloc (09022015). Collection method: clinical testing. Allele origin: unknown.
Comment: This variant is a gross deletion of the genomic region encompassing exon(s) 2 of the DBT gene. This deletion is out-of-frame, and is expected to create a premature termination codon and result in an absent or disrupted protein product. Loss-of-function variants in DBT are known to be pathogenic (PMID: 16579849, 16786533). A similar copy number variant has been observed in individual(s) with DBT-related conditions (PMID: 22090376). For these reasons, this variant has been classified as Pathogenic.

Literature cited by the submitters: PubMed 16579849; PubMed 16786533; PubMed 22090376.